The following is an entry in ClinVar:

NM_001035.3(RYR2):c.7784A>G (p.Asp2595Gly)

Gene: RYR2 (ryanodine receptor 2; plus strand). Cytogenetic location: 1q43.
Variant type: single nucleotide variant.
Coding change: c.7784A>G on transcript NM_001035.3 (MANE Select); coding-DNA position 7784, A replaced by G.
Protein change: p.Asp2595Gly; replaces aspartic acid 2595 with glycine.
Molecular consequence: missense variant.
Genome position (GRCh38, 1-based): chr1:237,651,461, A>G. VCF-style: chr1-237651461-A-G. GRCh37 (hg19) VCF-style: chr1-237814761-A-G.
Other names: short protein forms D2595G.
Identifiers: ClinVar variation 1686722 (VCV001686722.7), dbSNP rs2148804103, ClinGen allele CA345399664.

ClinVar aggregate classification (germline): Uncertain significance. Review status: criteria provided, multiple submitters, no conflicts (2 of 4 stars). 2 submissions from 2 submitters: Uncertain significance (2). Last evaluated 2022-07-13.

Conditions:
Catecholaminergic polymorphic ventricular tachycardia 1. Also called: VENTRICULAR TACHYCARDIA, STRESS-INDUCED POLYMORPHIC 1; VENTRICULAR TACHYCARDIA, CATECHOLAMINERGIC POLYMORPHIC, 1, WITH OR WITHOUT ATRIAL DYSFUNCTION AND/OR DILATED CARDIOMYOPATHY; RYR2-Related Catecholaminergic Polymorphic Ventricular Tachycardia. Identifiers: Orphanet 3286, MedGen C1631597, MONDO:0011484, OMIM 604772.

gnomAD v4.1: 2 of 1,592,070 alleles (0.00013%); highest among the groups gnomAD compares: Non-Finnish European, 0.00017%; no homozygotes.

Submissions (2):

Labcorp Genetics (formerly Invitae), Labcorp
Classification: Uncertain significance for Catecholaminergic polymorphic ventricular tachycardia 1. Last evaluated: 2022-07-13. Review status: criteria provided, single submitter. Criteria: Invitae Variant Classification Sherloc (09022015). Collection method: clinical testing. Allele origin: germline.
Comment: Advanced modeling of protein sequence and biophysical properties (such as structural, functional, and spatial information, amino acid conservation, physicochemical variation, residue mobility, and thermodynamic stability) performed at Invitae indicates that this missense variant is expected to disrupt RYR2 protein function. ClinVar contains an entry for this variant (Variation ID: 1686722). This variant has not been reported in the literature in individuals affected with RYR2-related conditions. This variant is not present in population databases (gnomAD no frequency). This sequence change replaces aspartic acid, which is acidic and polar, with glycine, which is neutral and non-polar, at codon 2595 of the RYR2 protein (p.Asp2595Gly). In summary, the available evidence is currently insufficient to determine the role of this variant in disease. Therefore, it has been classified as a Variant of Uncertain Significance.

GeneDx
Classification: Uncertain significance. Last evaluated: 2021-11-22. Review status: criteria provided, single submitter. Criteria: GeneDx Variant Classification Process June 2021. Collection method: clinical testing. Allele origin: germline. Affected: yes.
Comment: Not observed at significant frequency in large population cohorts (gnomAD); In silico analysis supports that this missense variant has a deleterious effect on protein structure/function; Has not been previously published as pathogenic or benign to our knowledge; Not located in one of the three hot-spot regions of the RYR2 gene, where the majority of pathogenic missense variants occur (Medeiros-Domingo et al., 2009); This variant is associated with the following publications: (PMID: 19926015)